The following is an entry in ClinVar:

NM_001042472.3(ABHD12):c.1022G>A (p.Gly341Asp)

Gene: ABHD12 (abhydrolase domain containing 12, lysophospholipase; minus strand). Cytogenetic location: 20p11.21.
Variant type: single nucleotide variant.
Coding change: c.1022G>A on transcript NM_001042472.3 (MANE Select); coding-DNA position 1022, G replaced by A.
Protein change: p.Gly341Asp; replaces glycine 341 with aspartic acid.
Molecular consequence: missense variant.
Genome position (GRCh38, 1-based): chr20:25,303,557, C>T on the plus strand (G>A on the coding strand, the complement: ABHD12 is on the minus strand). VCF-style: chr20-25303557-C-T. GRCh37 (hg19) VCF-style: chr20-25284193-C-T.
Other names: c.1022G>A, p.Gly341Asp (NM_015600.5); short protein forms G341D.
Identifiers: ClinVar variation 1386189 (VCV001386189.6), dbSNP rs772894717, ClinGen allele CA408455194.
Genomic context (GRCh38, chr20:25,303,557, plus strand): 5'-CTGGCTGAGTGTGCAAGATGCCAGCTACACCAGAGGCAGAGGCCAGGACCCACCTTTCTG[C>T]CAAGCTGGAAGGGCACCACCGGGTCGTCCTCAGCGTGCAGGATGAGCAGGGGACAGGAGA-3'
Protein context (NP_001035937.1, residues 331-351): EDDPVVPFQL[Gly341Asp]RKLYSIAAPA

ClinVar aggregate classification (germline): Uncertain significance (1 of 4 stars; one submission).

Submission:

Labcorp Genetics (formerly Invitae), Labcorp
Classification: Uncertain significance. Last evaluated: 2022-06-09. Review status: criteria provided, single submitter. Criteria: Invitae Variant Classification Sherloc (09022015). Collection method: clinical testing. Allele origin: germline.
Comment: In summary, the available evidence is currently insufficient to determine the role of this variant in disease. Therefore, it has been classified as a Variant of Uncertain Significance. Algorithms developed to predict the effect of missense changes on protein structure and function (SIFT, PolyPhen-2, Align-GVGD) all suggest that this variant is likely to be disruptive. This missense change has been observed in individual(s) with clinical features of polyneuropathy, hearing loss, ataxia, retinitis pigmentosa, and cataract (PHARC) syndrome (Invitae). This variant is not present in population databases (gnomAD no frequency). This sequence change replaces glycine, which is neutral and non-polar, with aspartic acid, which is acidic and polar, at codon 341 of the ABHD12 protein (p.Gly341Asp).